The following is an entry in ClinVar:

NM_000143.4(FH):c.1027C>G (p.Arg343Gly)

Gene: FH (fumarate hydratase; minus strand). Cytogenetic location: 1q43.
Variant type: single nucleotide variant.
Coding change: c.1027C>G on transcript NM_000143.4 (MANE Select); coding-DNA position 1027, C replaced by G.
Protein change: p.Arg343Gly; replaces arginine 343 with glycine.
Molecular consequence: missense variant.
Genome position (GRCh38, 1-based): chr1:241,504,123, G>C on the plus strand (C>G on the coding strand, the complement: FH is on the minus strand). VCF-style: chr1-241504123-G-C. GRCh37 (hg19) VCF-style: chr1-241667423-G-C.
Other names: short protein forms R343G.
Identifiers: ClinVar variation 5021726 (VCV005021726.1).

ClinVar aggregate classification (germline): Uncertain significance (1 of 4 stars; one submission).

Conditions:
Hereditary cancer-predisposing syndrome. Also called: Neoplastic Syndromes, Hereditary; Tumor predisposition; Hereditary neoplastic syndrome; Hereditary Cancer Syndrome. Identifiers: Orphanet 140162, MedGen C0027672, MeSH D009386, MONDO:0015356.

Submission:

Ambry Genetics
Classification: Uncertain significance for Hereditary cancer-predisposing syndrome. Last evaluated: 2026-07-06. Review status: criteria provided, single submitter. Criteria: Ambry Variant Classification Scheme 2023. Collection method: clinical testing. Allele origin: germline.
Comment: The p.R343G variant (also known as c.1027C>G), located in coding exon 7 of the FH gene, results from a C to G substitution at nucleotide position 1027. The arginine at codon 343 is replaced by glycine, an amino acid with dissimilar properties. This amino acid position is conserved. In addition, this alteration is predicted to be deleterious by in silico analysis. Based on the available evidence, the clinical significance of this variant remains unclear.